The following is an entry in ClinVar:

NM_005515.4(MNX1):c.*7C>G

Gene: MNX1 (motor neuron and pancreas homeobox 1; minus strand). Cytogenetic location: 7q36.3.
Variant type: single nucleotide variant.
Coding change: c.*7C>G on transcript NM_005515.4 (MANE Select); 7 bases downstream of the stop codon, C replaced by G.
Molecular consequence: 3 prime UTR variant.
Genome position (GRCh38, 1-based): chr7:157,005,513, G>C on the plus strand (C>G on the coding strand, the complement: MNX1 is on the minus strand). VCF-style: chr7-157005513-G-C. GRCh37 (hg19) VCF-style: chr7-156798207-G-C.
Other names: c.*7C>G (NM_001165255.2).
Identifiers: ClinVar variation 3040501 (VCV003040501.2), dbSNP rs527488700, ClinGen allele CA4589086.

ClinVar aggregate classification (germline): Likely benign (0 of 4 stars; one submission).

Conditions:
MNX1-related disorder. Also called: MNX1-related condition.

Allele frequency attached by ClinVar (database versions not stated): 1000 Genomes Project 0.00040; 1000 Genomes Project 30x 0.00062; gnomAD 0.00067; TOPMed 0.00070; ExAC 0.00174.
gnomAD v4.1: 217 of 1,445,424 alleles (0.015%); highest among the groups gnomAD compares: African/African-American, 0.23%; no homozygotes.

Submission:

PreventionGenetics, part of Exact Sciences
Classification: Likely benign for MNX1-related condition. Last evaluated: 2019-09-11. Review status: no assertion criteria provided. Collection method: clinical testing. Allele origin: germline.
Comment: This variant is classified as likely benign based on ACMG/AMP sequence variant interpretation guidelines (Richards et al. 2015 PMID: 25741868, with internal and published modifications).